The following is an entry in ClinVar:

NM_020247.5(COQ8A):c.1739C>G (p.Thr580Ser)

Gene: COQ8A (coenzyme Q8A; plus strand). Cytogenetic location: 1q42.13.
Variant type: single nucleotide variant.
Coding change: c.1739C>G on transcript NM_020247.5 (MANE Select); coding-DNA position 1739, C replaced by G.
Protein change: p.Thr580Ser; replaces threonine 580 with serine.
Molecular consequence: missense variant.
Genome position (GRCh38, 1-based): chr1:226,986,532, C>G. VCF-style: chr1-226986532-C-G. GRCh37 (hg19) VCF-style: chr1-227174233-C-G.
Other names: short protein forms T580S.
Identifiers: ClinVar variation 4083006 (VCV004083006.1).

ClinVar aggregate classification (germline): Uncertain significance (1 of 4 stars; one submission).

Submission:

GeneDx
Classification: Uncertain significance. Last evaluated: 2025-03-07. Review status: criteria provided, single submitter. Criteria: GeneDx Variant Classification Process June 2021. Collection method: clinical testing. Allele origin: germline. Affected: yes.
Comment: Has not been previously published as pathogenic or benign to our knowledge; Not observed at significant frequency in large population cohorts (gnomAD); In silico analysis indicates that this missense variant does not alter protein structure/function; In silico analysis suggests this variant may impact gene splicing. In the absence of RNA/functional studies, the actual effect of this sequence change is unknown.